The following is an entry in ClinVar:

ClinVar aggregate classification (germline): Uncertain significance. Review status: criteria provided, multiple submitters, no conflicts (2 of 4 stars). 2 submissions from 2 submitters: Uncertain significance (2). Last evaluated 2025-03-31.

Conditions:
Cardiomyopathy (CMYO). Also called: Cardiomyopathies. Identifiers: Orphanet 167848, MedGen C0878544, MONDO:0004994, HP:0001638. Inheritance: Various modes of inheritance.
Cardiovascular phenotype. Identifiers: MedGen CN230736.

Submissions (2):

Color Diagnostics, LLC DBA Color Health
Classification: Uncertain significance for Cardiomyopathy. Last evaluated: 2025-03-31. Review status: criteria provided, single submitter. Criteria: ACMG Guidelines, 2015. Collection method: clinical testing. Allele origin: germline.
Comment: This missense variant replaces alanine with valine at codon 67 of the TPM1 protein. Computational prediction is inconclusive regarding the impact of this variant on protein structure and function. To our knowledge, functional studies have not been reported for this variant. This variant has not been reported in individuals affected with TPM1-related disorders in the literature. This variant has not been identified in the general population by the Genome Aggregation Database (gnomAD). The available evidence is insufficient to determine the role of this variant in disease conclusively. Therefore, this variant is classified as a Variant of Uncertain Significance.

Ambry Genetics
Classification: Uncertain significance for Cardiovascular phenotype. Last evaluated: 2024-11-20. Review status: criteria provided, single submitter. Criteria: Ambry Variant Classification Scheme 2023. Collection method: clinical testing. Allele origin: germline.

NM_001018005.2(TPM1):c.200C>T (p.Ala67Val)

Gene: TPM1 (tropomyosin 1; plus strand). Cytogenetic location: 15q22.2.
Variant type: single nucleotide variant.
Coding change: c.200C>T on transcript NM_001018005.2 (MANE Select); coding-DNA position 200, C replaced by T.
Protein change: p.Ala67Val; replaces alanine 67 with valine.
Molecular consequence: missense variant. On other transcripts: non-coding transcript variant (12), intron variant (10).
Genome position (GRCh38, 1-based): chr15:63,044,112, C>T. VCF-style: chr15-63044112-C-T. GRCh37 (hg19) VCF-style: chr15-63336311-C-T.
Other names: c.200C>T, p.Ala67Val (NM_001018006.2, NM_001365776.1, NM_001365777.1 and 10 more transcripts); c.326C>T, p.Ala109Val (NM_001365778.1, NM_001407322.1, NM_001407323.1 and 1 more transcripts); c.240+281C>T (NM_001407336.1, NM_001018020.2, NM_001407338.1 and 7 more transcripts); short protein forms A67V, A109V.
Identifiers: ClinVar variation 3460495 (VCV003460495.2).
Genomic context (GRCh38, chr15:63,044,112, plus strand): 5'-AAAAGAAACTCAAGGGCACCGAAGATGAACTGGACAAATACTCTGAGGCTCTCAAAGATG[C>T]CCAGGAGAAGCTGGAGCTGGCAGAGAAAAAGGCCACCGATGTAAGTGCACGCTCACACTG-3'
Protein context (NP_001018005.1, residues 57-77): LDKYSEALKD[Ala67Val]QEKLELAEKK